The following is an entry in ClinVar:

NM_007194.4(CHEK2):c.1195G>T (p.Val399Phe)

Gene: CHEK2 (checkpoint kinase 2; minus strand). Cytogenetic location: 22q12.1.
Variant type: single nucleotide variant.
Coding change: c.1195G>T on transcript NM_007194.4 (MANE Select); coding-DNA position 1195, G replaced by T.
Protein change: p.Val399Phe; replaces valine 399 with phenylalanine.
Molecular consequence: missense variant.
Genome position (GRCh38, 1-based): chr22:28,695,774, C>A on the plus strand (G>T on the coding strand, the complement: CHEK2 is on the minus strand). VCF-style: chr22-28695774-C-A. GRCh37 (hg19) VCF-style: chr22-29091762-C-A.
Other names: c.1324G>T, p.Val442Phe (NM_001005735.3); c.532G>T, p.Val178Phe (NM_001257387.3); c.994G>T, p.Val332Phe (NM_001349956.3); c.1108G>T, p.Val370Phe (NM_145862.3); short protein forms V399F, V332F, V178F, V370F, V442F.
Identifiers: ClinVar variation 481128 (VCV000481128.8), dbSNP rs876658682, ClinGen allele CA411096785.

ClinVar aggregate classification (germline): Conflicting classifications of pathogenicity. Review status: criteria provided, conflicting classifications (1 of 4 stars). 2 submissions from 2 submitters: Uncertain significance (1); Likely benign (1). Last evaluated 2023-11-20.

Conditions:
Familial cancer of breast. Also called: BREAST CANCER, FAMILIAL; Hereditary breast cancer; hereditary breast carcinoma. Identifiers: Orphanet 227535, MedGen C0346153, MONDO:0016419, OMIM 114480. Disease mechanism: loss of function.
Hereditary cancer-predisposing syndrome. Also called: Hereditary Cancer Syndrome; Neoplastic Syndromes, Hereditary; Tumor predisposition; Hereditary neoplastic syndrome. Identifiers: Orphanet 140162, MedGen C0027672, MeSH D009386, MONDO:0015356.

Submissions (2):

Labcorp Genetics (formerly Invitae), Labcorp
Classification: Uncertain significance for Familial cancer of breast. Last evaluated: 2023-11-20. Review status: criteria provided, single submitter. Criteria: Invitae Variant Classification Sherloc (09022015). Collection method: clinical testing. Allele origin: germline.
Comment: This sequence change replaces valine, which is neutral and non-polar, with phenylalanine, which is neutral and non-polar, at codon 399 of the CHEK2 protein (p.Val399Phe). This variant is not present in population databases (gnomAD no frequency). This variant has not been reported in the literature in individuals affected with CHEK2-related conditions. ClinVar contains an entry for this variant (Variation ID: 481128). Algorithms developed to predict the effect of missense changes on protein structure and function output the following: SIFT: "Not Available"; PolyPhen-2: "Benign"; Align-GVGD: "Not Available". The phenylalanine amino acid residue is found in multiple mammalian species, which suggests that this missense change does not adversely affect protein function. In summary, the available evidence is currently insufficient to determine the role of this variant in disease. Therefore, it has been classified as a Variant of Uncertain Significance.

Ambry Genetics
Classification: Likely benign for Hereditary cancer-predisposing syndrome. Last evaluated: 2017-01-31. Review status: criteria provided, single submitter. Criteria: Ambry Variant Classification Scheme 2023. Collection method: clinical testing. Allele origin: germline.